The following is an entry in ClinVar:

NM_001384474.1(LOXHD1):c.5769_5775del (p.Ser1924fs)

Gene: LOXHD1 (lipoxygenase homology PLAT domains 1; minus strand). Cytogenetic location: 18q21.1.
Variant type: Deletion.
Coding change: c.5769_5775del on transcript NM_001384474.1 (MANE Select); coding-DNA positions 5769 to 5775, 7 bases deleted (GTCGGCA; older notation c.5769_5775delGTCGGCA).
Protein change: p.Ser1924fs; shifts the reading frame from serine 1924.
Molecular consequence: frameshift variant.
Genome position (GRCh38, 1-based): chr18:46,505,941-46,505,947, TGCCGAC deleted on the plus strand (GTCGGCA on the coding strand, the reverse complement: LOXHD1 is on the minus strand); deleting any 7 consecutive bases within chr18:46,505,941-46,505,950 gives the same sequence; the c. name uses the placement nearest the transcript's 3' end. VCF-style (leftmost placement, unchanged base first): chr18-46505940-TTGCCGAC-T. GRCh37 (hg19) VCF-style: chr18-44085903-TTGCCGAC-T.
Other names: c.2436_2442del, p.Ser813fs (NM_001145472.3); c.486_492del, p.Ser163fs (NM_001145473.3, NM_001173129.2); c.2148_2154del, p.Ser717fs (NM_001308013.2); c.5583_5589del, p.Ser1862fs (NM_144612.7); short protein forms S163fs, S1862fs, S1924fs, S717fs, S813fs.
Identifiers: ClinVar variation 2126874 (VCV002126874.4), dbSNP rs2511482068, ClinGen allele CA2580095744.

ClinVar aggregate classification (germline): Pathogenic (1 of 4 stars; one submission).

Submission:

Labcorp Genetics (formerly Invitae), Labcorp
Classification: Pathogenic. Last evaluated: 2022-11-02. Review status: criteria provided, single submitter. Criteria: Invitae Variant Classification Sherloc (09022015). Collection method: clinical testing. Allele origin: germline.
Comment: This sequence change creates a premature translational stop signal (p.Ser1862Thrfs*19) in the LOXHD1 gene. It is expected to result in an absent or disrupted protein product. Loss-of-function variants in LOXHD1 are known to be pathogenic (PMID: 19732867, 21465660, 25792669). This variant is not present in population databases (gnomAD no frequency). For these reasons, this variant has been classified as Pathogenic. This variant has not been reported in the literature in individuals affected with LOXHD1-related conditions.

Literature cited by the submitters: PubMed 19732867; PubMed 21465660; PubMed 25792669.